The following is an entry in ClinVar:

NM_024301.5(FKRP):c.539C>A (p.Ala180Asp)

Gene: FKRP (fukutin related protein; plus strand). Cytogenetic location: 19q13.32.
Variant type: single nucleotide variant.
Coding change: c.539C>A on transcript NM_024301.5 (MANE Select); coding-DNA position 539, C replaced by A.
Protein change: p.Ala180Asp; replaces alanine 180 with aspartic acid.
Molecular consequence: missense variant.
Genome position (GRCh38, 1-based): chr19:46,755,989, C>A. VCF-style: chr19-46755989-C-A. GRCh37 (hg19) VCF-style: chr19-47259246-C-A.
Other names: c.539C>A, p.Ala180Asp (NM_001039885.3); short protein forms A180D.
Identifiers: ClinVar variation 528819 (VCV000528819.8), dbSNP rs1555738521, ClinGen allele CA406495527.

ClinVar aggregate classification (germline): Uncertain significance (1 of 4 stars; one submission).

Conditions:
Walker-Warburg congenital muscular dystrophy. Also called: Muscular dystrophy-dystroglycanopathy, type A; Walker-Warburg syndrome. Identifiers: Orphanet 899, MedGen C0265221, MONDO:0000171.

Submission:

Labcorp Genetics (formerly Invitae), Labcorp
Classification: Uncertain significance for Walker-Warburg congenital muscular dystrophy. Last evaluated: 2017-08-22. Review status: criteria provided, single submitter. Criteria: Invitae Variant Classification Sherloc (09022015). Collection method: clinical testing. Allele origin: germline.
Comment: In summary, the available evidence is currently insufficient to determine the role of this variant in disease. Therefore, it has been classified as a Variant of Uncertain Significance. Algorithms developed to predict the effect of missense changes on protein structure and function do not agree on the potential impact of this missense change (SIFT: "Tolerated"; PolyPhen-2: "Probably Damaging"; Align-GVGD: "Class C0"). This variant has not been reported in the literature in individuals with FKRP-related disease. While this variant is not present in population databases, the frequency information is unreliable, as metrics indicate poor data quality at this position in the ExAC database. This sequence change replaces alanine with aspartic acid at codon 180 of the FKRP protein (p.Ala180Asp). The alanine residue is highly conserved and there is a moderate physicochemical difference between alanine and aspartic acid.